The following is an entry in ClinVar:

ClinVar aggregate classification (germline): Uncertain significance (1 of 4 stars; one submission).

Conditions:
Inborn genetic diseases. Identifiers: MedGen C0950123, MeSH D030342.

Submission:

Ambry Genetics
Classification: Uncertain significance for Inborn genetic diseases. Last evaluated: 2023-01-27. Review status: criteria provided, single submitter. Criteria: Ambry Variant Classification Scheme 2023. Collection method: clinical testing. Allele origin: germline.
Comment: The p.T510I variant (also known as c.1529C>T), located in coding exon 16 of the ERCC2 gene, results from a C to T substitution at nucleotide position 1529. The threonine at codon 510 is replaced by isoleucine, an amino acid with similar properties. This amino acid position is conserved. In addition, the in silico prediction for this alteration is inconclusive. Since supporting evidence is limited at this time, the clinical significance of this alteration remains unclear.

NM_000400.4(ERCC2):c.1529C>T (p.Thr510Ile)

Gene: ERCC2 (ERCC excision repair 2, TFIIH core complex helicase subunit; minus strand). Cytogenetic location: 19q13.32.
Variant type: single nucleotide variant.
Coding change: c.1529C>T on transcript NM_000400.4 (MANE Select); coding-DNA position 1529, C replaced by T.
Protein change: p.Thr510Ile; replaces threonine 510 with isoleucine.
Molecular consequence: missense variant.
Genome position (GRCh38, 1-based): chr19:45,355,679, G>A on the plus strand (C>T on the coding strand, the complement: ERCC2 is on the minus strand). VCF-style: chr19-45355679-G-A. GRCh37 (hg19) VCF-style: chr19-45858937-G-A.
Other names: short protein forms T510I.
Identifiers: ClinVar variation 2452363 (VCV002452363.2), dbSNP rs2514008389, ClinGen allele CA406365791.